The following is an entry in ClinVar:

ClinVar aggregate classification (germline): Pathogenic (1 of 4 stars; one submission).

Conditions:
Mucolipidosis type II. Also called: ML II ALPHA/BETA; Mucolipidosis 2; ML 2; Inclusion cell disease; Leroy Disease; N-acetylglucosamine 1phosphotransferase deficiency. Identifiers: Orphanet 576, MedGen C2673377, MONDO:0009650, OMIM 252500.
Pseudo-Hurler polydystrophy. Also called: ML III; ML III ALPHA/BETA; MUCOLIPIDOSIS IIIA; Type III Mucolipidosis; ML IIIA; Mucolipidosis III Alpha/Beta. Identifiers: Orphanet 423461, Orphanet 577, MedGen C0033788, MONDO:0018931, OMIM 252600.

Submission:

Labcorp Genetics (formerly Invitae), Labcorp
Classification: Pathogenic for Pseudo-Hurler polydystrophy; Mucolipidosis type II. Last evaluated: 2025-04-07. Review status: criteria provided, single submitter. Criteria: Invitae Variant Classification Sherloc (09022015). Collection method: clinical testing. Allele origin: germline.
Comment: This sequence change creates a premature translational stop signal (p.Lys671Glnfs*9) in the GNPTAB gene. It is expected to result in an absent or disrupted protein product. Loss-of-function variants in GNPTAB are known to be pathogenic (PMID: 19617216, 25107912). This variant is not present in population databases (gnomAD no frequency). This variant has not been reported in the literature in individuals affected with GNPTAB-related conditions. For these reasons, this variant has been classified as Pathogenic.

Literature cited by the submitters: PubMed 19617216; PubMed 25107912.

NM_024312.5(GNPTAB):c.2010dup (p.Lys671fs)

Gene: GNPTAB (N-acetylglucosamine-1-phosphate transferase subunits alpha and beta; minus strand). Cytogenetic location: 12q23.2.
Variant type: Duplication.
Coding change: c.2010dup on transcript NM_024312.5 (MANE Select); coding-DNA position 2010, one base duplicated (C; older notation c.2010dupC).
Protein change: p.Lys671fs; shifts the reading frame from lysine 671.
Molecular consequence: frameshift variant.
Genome position (GRCh38, 1-based): chr12:101,764,907, G duplicated on the plus strand (C on the coding strand, the reverse complement: GNPTAB is on the minus strand); the first of 3 consecutive G bases (chr12:101,764,907-101,764,909); duplicating any one gives the same sequence. VCF-style (leftmost placement, unchanged base first): chr12-101764906-T-TG. GRCh37 (hg19) VCF-style: chr12-102158684-T-TG.
Other names: short protein forms K671fs.
Identifiers: ClinVar variation 4784634 (VCV004784634.1).